The following is an entry in ClinVar:

ClinVar aggregate classification (germline): Pathogenic (1 of 4 stars; one submission).

Conditions:
Usher syndrome type 1F (USH1F). Also called: USHER SYNDROME, TYPE IF. Identifiers: Orphanet 231169, Orphanet 886, MedGen C1865885, MONDO:0011186, OMIM 602083.

Submission:

Myriad Genetics, Inc.
Classification: Pathogenic for Usher syndrome type 1F. Last evaluated: 2024-08-07. Review status: criteria provided, single submitter. Criteria: Myriad Autosomal Dominant, Autosomal Recessive and X-Linked Classification Criteria (2023). Collection method: clinical testing. Allele origin: unknown.
Comment: NM_033056.3(PCDH15):c.1710_1711delGG(V571Gfs*17) is expected to be pathogenic in the context of PCDH15-related disorders. This variant is predicted to lead to an abnormal or absent protein product due to the creation of a premature termination codon in PCDH15, a gene where loss-of-function variants are known to be pathogenic. Please note: this variant was assessed in the context of healthy population screening.

NM_001384140.1(PCDH15):c.1710_1711del (p.Val571fs)

Gene: PCDH15 (protocadherin related 15; minus strand). Cytogenetic location: 10q21.1.
Variant type: Deletion.
Coding change: c.1710_1711del on transcript NM_001384140.1 (MANE Select); coding-DNA positions 1710 to 1711, 2 bases deleted (GG; older notation c.1710_1711delGG).
Protein change: p.Val571fs; shifts the reading frame from valine 571.
Molecular consequence: frameshift variant.
Genome position (GRCh38, 1-based): chr10:54,153,173-54,153,174, CC deleted on the plus strand (GG on the coding strand, the reverse complement: PCDH15 is on the minus strand); deleting any 2 consecutive bases within chr10:54,153,173-54,153,176 gives the same sequence; the c. name uses the placement nearest the transcript's 3' end. VCF-style (leftmost placement, unchanged base first): chr10-54153172-ACC-A. GRCh37 (hg19) VCF-style: chr10-55912932-ACC-A.
Other names: c.1725_1726del, p.Val576fs (NM_001142763.2, NM_001142771.2); c.1710_1711del, p.Val571fs (NM_001142764.2, NM_001142765.2, NM_001142766.2 and 6 more transcripts); c.1599_1600del, p.Val534fs (NM_001142767.2); c.1644_1645del, p.Val549fs (NM_001142768.2, NM_001142773.2, NM_001354404.2); c.1744_1745delGG, p.Val583Glyfs (NM_001142769.4); c.1731_1732del, p.Val578fs (NM_001354411.2); short protein forms V534fs, V549fs, V571fs, V576fs, V578fs, V583fs.
Identifiers: ClinVar variation 5013427 (VCV005013427.1).
Genomic context (GRCh38, chr10:54,153,172, plus strand): 5'-GGAGGAGCATTATCCGCTGCTTGGACCGTGAGTGCGTAAGTCCGCCCGACTATCATTTCC[ACC>A]CCTGGAGCGATGGTGATAAGCCCTGTTGTTTTATTGATGATGAAGTCTCCCTGAGCCCCA-3'